The following is an entry in ClinVar:

NM_006231.4(POLE):c.170G>T (p.Gly57Val)

Gene: POLE (DNA polymerase epsilon, catalytic subunit; minus strand). Cytogenetic location: 12q24.33.
Variant type: single nucleotide variant.
Coding change: c.170G>T on transcript NM_006231.4 (MANE Select); coding-DNA position 170, G replaced by T.
Protein change: p.Gly57Val; replaces glycine 57 with valine.
Molecular consequence: missense variant.
Genome position (GRCh38, 1-based): chr12:132,681,172, C>A on the plus strand (G>T on the coding strand, the complement: POLE is on the minus strand). VCF-style: chr12-132681172-C-A. GRCh37 (hg19) VCF-style: chr12-133257758-C-A.
Other names: short protein forms G57V.
Identifiers: ClinVar variation 4862329 (VCV004862329.1).
Genomic context (GRCh38, chr12:132,681,172, plus strand): 5'-GGGTGGGAGAAGGACCTAGTGCTTACAGGATGCATGTTAATGAGCCAGCCTGTCTTCTCA[C>A]CAGGCTCCTTCAGCCGCTCAAAACCAAACCGCAAATCCATCTTATCCGTCCACTGACTCC-3'
Protein context (NP_006222.2, residues 47-67): RFGFERLKEP[Gly57Val]EKTGWLINMH

ClinVar aggregate classification (germline): Uncertain significance (1 of 4 stars; one submission).

Conditions:
Hereditary cancer-predisposing syndrome. Also called: Neoplastic Syndromes, Hereditary; Tumor predisposition; Hereditary Cancer Syndrome; Hereditary neoplastic syndrome. Identifiers: Orphanet 140162, MedGen C0027672, MeSH D009386, MONDO:0015356.

Submission:

Ambry Genetics
Classification: Uncertain significance for Hereditary cancer-predisposing syndrome. Last evaluated: 2026-05-23. Review status: criteria provided, single submitter. Criteria: Ambry Variant Classification Scheme 2023. Collection method: clinical testing. Allele origin: germline.
Comment: The p.G57V variant (also known as c.170G>T), located in coding exon 2 of the POLE gene, results from a G to T substitution at nucleotide position 170. The glycine at codon 57 is replaced by valine, an amino acid with dissimilar properties. This amino acid position is conserved. In addition, this alteration is predicted to be tolerated by in silico analysis. Based on the available evidence, the clinical significance of this variant remains unclear.